The following is an entry in ClinVar:

ClinVar aggregate classification (germline): Uncertain significance. Review status: criteria provided, multiple submitters, no conflicts (2 of 4 stars). 2 submissions from 2 submitters: Uncertain significance (2). Last evaluated 2025-04-11.

Conditions:
Neuroblastoma, susceptibility to, 3. Also called: ALK-Related Neuroblastic Tumor Susceptibility. Identifiers: Orphanet 635, MedGen C2751681, MONDO:0013083, OMIM 613014.
Hereditary cancer-predisposing syndrome. Also called: Hereditary neoplastic syndrome; Tumor predisposition; Neoplastic Syndromes, Hereditary; Hereditary Cancer Syndrome. Identifiers: Orphanet 140162, MedGen C0027672, MeSH D009386, MONDO:0015356.

gnomAD v4.1: 1 of 1,551,378 alleles (0.000064%); highest among the groups gnomAD compares: Non-Finnish European, 0.000087%; no homozygotes.

Submissions (2):

Ambry Genetics
Classification: Uncertain significance for Hereditary cancer-predisposing syndrome. Last evaluated: 2025-04-11. Review status: criteria provided, single submitter. Criteria: Ambry Variant Classification Scheme 2023. Collection method: clinical testing. Allele origin: germline.
Comment: The p.P106L variant (also known as c.317C>T), located in coding exon 1 of the ALK gene, results from a C to T substitution at nucleotide position 317. The proline at codon 106 is replaced by leucine, an amino acid with similar properties. This amino acid position is conserved. In addition, this alteration is predicted to be tolerated by in silico analysis. Based on the available evidence, the clinical significance of this variant remains unclear.

Labcorp Genetics (formerly Invitae), Labcorp
Classification: Uncertain significance for Neuroblastoma, susceptibility to, 3. Last evaluated: 2024-03-14. Review status: criteria provided, single submitter. Criteria: Invitae Variant Classification Sherloc (09022015). Collection method: clinical testing. Allele origin: germline.
Comment: This sequence change replaces proline, which is neutral and non-polar, with leucine, which is neutral and non-polar, at codon 106 of the ALK protein (p.Pro106Leu). This variant is not present in population databases (gnomAD no frequency). This variant has not been reported in the literature in individuals affected with ALK-related conditions. ClinVar contains an entry for this variant (Variation ID: 949887). An algorithm developed to predict the effect of missense changes on protein structure and function (PolyPhen-2) suggests that this variant is likely to be tolerated. In summary, the available evidence is currently insufficient to determine the role of this variant in disease. Therefore, it has been classified as a Variant of Uncertain Significance.

NM_004304.5(ALK):c.317C>T (p.Pro106Leu)

Gene: ALK (ALK receptor tyrosine kinase; minus strand). Cytogenetic location: 2p23.1.
Variant type: single nucleotide variant.
Coding change: c.317C>T on transcript NM_004304.5 (MANE Select); coding-DNA position 317, C replaced by T.
Protein change: p.Pro106Leu; replaces proline 106 with leucine.
Molecular consequence: missense variant.
Genome position (GRCh38, 1-based): chr2:29,920,343, G>A on the plus strand (C>T on the coding strand, the complement: ALK is on the minus strand). VCF-style: chr2-29920343-G-A. GRCh37 (hg19) VCF-style: chr2-30143209-G-A.
Other names: short protein forms P106L.
Identifiers: ClinVar variation 949887 (VCV000949887.10), dbSNP rs1037485859, ClinGen allele CA45004772.